The following is an entry in ClinVar:

NM_024596.5(MCPH1):c.1408A>G (p.Thr470Ala)

Gene: MCPH1 (microcephalin 1; plus strand). Cytogenetic location: 8p23.1.
Variant type: single nucleotide variant.
Coding change: c.1408A>G on transcript NM_024596.5 (MANE Select); coding-DNA position 1408, A replaced by G.
Protein change: p.Thr470Ala; replaces threonine 470 with alanine.
Molecular consequence: missense variant. On other transcripts: non-coding transcript variant (1).
Genome position (GRCh38, 1-based): chr8:6,445,130, A>G. VCF-style: chr8-6445130-A-G. GRCh37 (hg19) VCF-style: chr8-6302651-A-G.
Other names: c.1408A>G, p.Thr470Ala (NM_001172574.2, NM_001322042.2, NM_001363979.1 and 1 more transcripts); c.1264A>G, p.Thr422Ala (NM_001172575.2); c.1402A>G, p.Thr468Ala (NM_001322043.2); c.1306A>G, p.Thr436Ala (NM_001322045.2); short protein forms T470A, T422A, T436A, T468A.
Identifiers: ClinVar variation 450610 (VCV000450610.5), dbSNP rs911978407, ClinGen allele CA171404588.

ClinVar aggregate classification (germline): Uncertain significance. Review status: criteria provided, multiple submitters, no conflicts (2 of 4 stars). 3 submissions from 3 submitters: Uncertain significance (3). Last evaluated 2025-05-19.

Conditions:
Inborn genetic diseases. Identifiers: MedGen C0950123, MeSH D030342.

Allele frequency attached by ClinVar (database versions not stated): gnomAD exomes 0.00001 and 0.00002; TOPMed 0.00003; gnomAD 0.00004.
gnomAD v4.1: 39 of 1,614,154 alleles (0.0024%); highest among the groups gnomAD compares: African/African-American, 0.004%; no homozygotes.

Submissions (3):

Ambry Genetics
Classification: Uncertain significance for Inborn genetic diseases. Last evaluated: 2025-05-19. Review status: criteria provided, single submitter. Criteria: Ambry Variant Classification Scheme 2023. Collection method: clinical testing. Allele origin: germline.

Labcorp Genetics (formerly Invitae), Labcorp
Classification: Uncertain significance. Last evaluated: 2022-08-05. Review status: criteria provided, single submitter. Criteria: Invitae Variant Classification Sherloc (09022015). Collection method: clinical testing. Allele origin: germline.
Comment: This sequence change replaces threonine, which is neutral and polar, with alanine, which is neutral and non-polar, at codon 470 of the MCPH1 protein (p.Thr470Ala). This variant is present in population databases (no rsID available, gnomAD 0.008%). This variant has not been reported in the literature in individuals affected with MCPH1-related conditions. ClinVar contains an entry for this variant (Variation ID: 450610). Algorithms developed to predict the effect of missense changes on protein structure and function output the following: SIFT: "Not Available"; PolyPhen-2: "Benign"; Align-GVGD: "Not Available". The alanine amino acid residue is found in multiple mammalian species, which suggests that this missense change does not adversely affect protein function. In summary, the available evidence is currently insufficient to determine the role of this variant in disease. Therefore, it has been classified as a Variant of Uncertain Significance.

GeneDx
Classification: Uncertain significance. Last evaluated: 2017-07-20. Review status: criteria provided, single submitter. Criteria: GeneDx Variant Classification (06012015). Collection method: clinical testing. Allele origin: germline. Affected: yes.
Comment: A variant of uncertain significance has been identified in the MCPH1 gene. The T470A variant has not been published as a pathogenic variant, nor has it been reported as a benign variant to our knowledge. The T470A variant is not observed in large population cohorts (Lek et al., 2016; 1000 Genomes Consortium et al., 2015; Exome Variant Server). The T470A variant is a non-conservative amino acid substitution, which is likely to impact secondary protein structure as these residues differ in polarity, charge, size and/or other properties. However, this substitution occurs at a position that is not conserved, and in silico analysis predicts this variant likely does not alter the protein structure/function. Therefore, based on the currently available information, it is unclear whether this variant is a pathogenic variant or a rare benign variant.